The following is an entry in ClinVar:

NM_021076.4(NEFH):c.2410A>T (p.Lys804Ter)

Gene: NEFH (neurofilament heavy chain; plus strand). Cytogenetic location: 22q12.2.
Variant type: single nucleotide variant.
Coding change: c.2410A>T on transcript NM_021076.4 (MANE Select); coding-DNA position 2410, A replaced by T.
Protein change: p.Lys804Ter; replaces lysine 804 with a stop codon.
Molecular consequence: nonsense.
Genome position (GRCh38, 1-based): chr22:29,490,050, A>T. VCF-style: chr22-29490050-A-T. GRCh37 (hg19) VCF-style: chr22-29886039-A-T.
Other names: c.2410A>T (NM_021076.3); short protein forms K804*.
Identifiers: ClinVar variation 2115459 (VCV002115459.5), dbSNP rs1371648320, ClinGen allele CA411137326.

ClinVar aggregate classification (germline): Uncertain significance. Review status: criteria provided, single submitter (1 of 4 stars). 2 submissions from 2 submitters: Uncertain significance (1). 1 of the submissions does not count toward it. Last evaluated 2022-08-16.

Conditions:
NEFH-related disorder. Also called: NEFH-related condition.

Allele frequency attached by ClinVar (database versions not stated): gnomAD exomes below 0.00001; gnomAD 0.00001; TOPMed 0.00001.
gnomAD v4.1: 4 of 1,613,630 alleles (0.00025%); highest among the groups gnomAD compares: African/African-American, 0.0013%; no homozygotes.

Submissions (2):

Labcorp Genetics (formerly Invitae), Labcorp
Classification: Uncertain significance. Last evaluated: 2022-08-16. Review status: criteria provided, single submitter. Criteria: Invitae Variant Classification Sherloc (09022015). Collection method: clinical testing. Allele origin: germline.
Comment: In summary, the available evidence is currently insufficient to determine the role of this variant in disease. Therefore, it has been classified as a Variant of Uncertain Significance. This variant has not been reported in the literature in individuals affected with NEFH-related conditions. This variant is present in population databases (no rsID available, gnomAD 0.007%). This sequence change creates a premature translational stop signal (p.Lys804*) in the NEFH gene. While this is not anticipated to result in nonsense mediated decay, it is expected to disrupt the last 217 amino acid(s) of the NEFH protein.

PreventionGenetics, part of Exact Sciences
Classification: Uncertain significance for NEFH-related condition. Last evaluated: 2024-07-24. Review status: no assertion criteria provided. Collection method: clinical testing. Allele origin: germline. Not counted in ClinVar's aggregate classification.
Comment: The NEFH c.2410A>T variant is predicted to result in premature protein termination (p.Lys804*). To our knowledge, this variant has not been reported in the literature. This variant is reported in 0.0065% of alleles in individuals of European (Non-Finnish) descent in gnomAD. At this time, the clinical significance of this variant is uncertain due to the absence of conclusive functional and genetic evidence.